The following is an entry in ClinVar:

NM_206933.4(USH2A):c.713A>G (p.Asn238Ser)

Gene: USH2A (usherin; minus strand). Cytogenetic location: 1q41.
Variant type: single nucleotide variant.
Coding change: c.713A>G on transcript NM_206933.4 (MANE Select); coding-DNA position 713, A replaced by G.
Protein change: p.Asn238Ser; replaces asparagine 238 with serine.
Molecular consequence: missense variant.
Genome position (GRCh38, 1-based): chr1:216,365,024, T>C on the plus strand (A>G on the coding strand, the complement: USH2A is on the minus strand). VCF-style: chr1-216365024-T-C. GRCh37 (hg19) VCF-style: chr1-216538366-T-C.
Other names: c.713A>G, p.Asn238Ser (NM_007123.6); short protein forms N238S.
Identifiers: ClinVar variation 1978328 (VCV001978328.4), dbSNP rs2527531473, ClinGen allele CA344908164.

ClinVar aggregate classification (germline): Uncertain significance (1 of 4 stars; one submission).

Allele frequency attached by ClinVar (database versions not stated): gnomAD exomes 0.00001.
gnomAD v4.1: 7 of 1,613,746 alleles (0.00043%); highest among the groups gnomAD compares: African/African-American, 0.0013%; no homozygotes.

Submission:

Labcorp Genetics (formerly Invitae), Labcorp
Classification: Uncertain significance. Last evaluated: 2022-02-22. Review status: criteria provided, single submitter. Criteria: Invitae Variant Classification Sherloc (09022015). Collection method: clinical testing. Allele origin: germline.
Comment: In summary, the available evidence is currently insufficient to determine the role of this variant in disease. Therefore, it has been classified as a Variant of Uncertain Significance. Algorithms developed to predict the effect of missense changes on protein structure and function are either unavailable or do not agree on the potential impact of this missense change (SIFT: "Deleterious"; PolyPhen-2: "Benign"; Align-GVGD: "Class C0"). This variant has not been reported in the literature in individuals affected with USH2A-related conditions. This variant is not present in population databases (gnomAD no frequency). This sequence change replaces asparagine, which is neutral and polar, with serine, which is neutral and polar, at codon 238 of the USH2A protein (p.Asn238Ser).